The following is an entry in ClinVar:

NM_002519.3(NPAT):c.2468C>T (p.Ala823Val)

Gene: NPAT (nuclear protein, coactivator of histone transcription; minus strand). Cytogenetic location: 11q22.3.
Variant type: single nucleotide variant.
Coding change: c.2468C>T on transcript NM_002519.3 (MANE Select); coding-DNA position 2468, C replaced by T.
Protein change: p.Ala823Val; replaces alanine 823 with valine.
Molecular consequence: missense variant.
Genome position (GRCh38, 1-based): chr11:108,172,516, G>A on the plus strand (C>T on the coding strand, the complement: NPAT is on the minus strand). VCF-style: chr11-108172516-G-A. GRCh37 (hg19) VCF-style: chr11-108043243-G-A.
Other names: c.2468C>T, p.Ala823Val (NM_001321307.1); short protein forms A823V.
Identifiers: ClinVar variation 1791717 (VCV001791717.2), dbSNP rs2496717094, ClinGen allele CA382512914.
Genomic context (GRCh38, chr11:108,172,516, plus strand): 5'-ACACATGGTGTAACATTAGCTGAAAAAGCAATGCCATCTTCATTCTGAGTATTGTTTACT[G>A]CAGAGTCTTCAGATTTGAATGTTAAAAGACTCTGTTCCATTGAGGCTGAATCCCCTACTT-3'
Protein context (NP_002510.2, residues 813-833): SLLTFKSEDS[Ala823Val]VNNTQNEDGI

ClinVar aggregate classification (germline): Uncertain significance (1 of 4 stars; one submission).

Submission:

Ambry Genetics
Classification: Uncertain significance. Last evaluated: 2022-05-26. Review status: criteria provided, single submitter. Criteria: Ambry Variant Classification Scheme 2023. Collection method: clinical testing. Allele origin: germline.
Comment: The p.A823V variant (also known as c.2468C>T), located in coding exon 13 of the NPAT gene, results from a C to T substitution at nucleotide position 2468. The alanine at codon 823 is replaced by valine, an amino acid with similar properties. This amino acid position is conserved. In addition, this alteration is predicted to be tolerated by in silico analysis. Since supporting evidence is limited at this time, the clinical significance of this alteration remains unclear.